The following is an entry in ClinVar:

ClinVar aggregate classification (germline): Likely benign. Review status: criteria provided, multiple submitters, no conflicts (2 of 4 stars). 5 submissions from 5 submitters: Likely benign (5). Last evaluated 2026-08-01.

Conditions:
Meckel-Gruber syndrome. Also called: Dysencephalia splachnocystica; DYSENCEPHALIA SPLANCHNOCYSTICA; GRUBER SYNDROME. Identifiers: Orphanet 564, MedGen C0265215, MONDO:0018921.
Joubert syndrome. Also called: Familial aplasia of the vermis; JOUBERT-BOLTSHAUSER SYNDROME. Identifiers: Orphanet 475, MedGen C5979921, MONDO:0018772.

Allele frequency attached by ClinVar (database versions not stated): TOPMed 0.00003; gnomAD 0.00004 and 0.00005.

Submissions (5):

CeGaT Center for Human Genetics Tuebingen
Classification: Likely benign. Last evaluated: 2026-08-01. Review status: criteria provided, single submitter. Criteria: CeGaT Center For Human Genetics Tuebingen Variant Classification Criteria Version 2. Collection method: clinical testing. Allele origin: germline. Affected: yes. Observed: 2 variant alleles.
Comment: B9D1: BP4, BP7

Labcorp Genetics (formerly Invitae), Labcorp
Classification: Likely benign for Joubert syndrome; Meckel-Gruber syndrome. Last evaluated: 2026-01-21. Review status: criteria provided, single submitter. Criteria: Invitae Variant Classification Sherloc (09022015). Collection method: clinical testing. Allele origin: germline.

Blueprint Genetics
Classification: Likely benign. Last evaluated: 2024-08-06. Review status: criteria provided, single submitter. Criteria: ACMG Guidelines, 2015. Collection method: clinical testing. Allele origin: germline.

Genetic Services Laboratory, University of Chicago
Classification: Likely benign. Last evaluated: 2016-01-13. Review status: criteria provided, single submitter. Criteria: ACMG Guidelines, 2015. Collection method: clinical testing. Allele origin: germline. Affected: no.

Breakthrough Genomics
Classification: Likely benign. Review status: criteria provided, single submitter. Criteria: ACMG Guidelines, 2015. Collection method: not provided. Allele origin: germline. Inheritance: Autosomal recessive inheritance. Affected: yes.

NM_015681.6(B9D1):c.33C>T (p.Leu11=)

Genes: B9D1 (B9 domain containing 1; minus strand), LOC130060455 (ATAC-STARR-seq lymphoblastoid silent region 8288; plus strand). Cytogenetic location: 17p11.2.
Variant type: single nucleotide variant.
Coding change: c.33C>T on transcript NM_015681.6 (MANE Select); coding-DNA position 33, C replaced by T.
Protein change: p.Leu11=; no amino-acid change (leucine 11 retained).
Molecular consequence: synonymous variant. On other transcripts: intron variant (1).
Genome position (GRCh38, 1-based): chr17:19,362,537, G>A on the plus strand (C>T on the coding strand, the complement: B9D1 is on the minus strand). VCF-style: chr17-19362537-G-A. GRCh37 (hg19) VCF-style: chr17-19265850-G-A.
Other names: c.33C>T, p.Leu11= (NM_001321214.2, NM_001321215.3, NM_001321216.2 and 4 more transcripts); c.-297-2149C>T (NM_001368769.2).
Identifiers: ClinVar variation 434476 (VCV000434476.25), dbSNP rs751480715, ClinGen allele CA8440394.